The following is an entry in ClinVar:

ClinVar aggregate classification (germline): Uncertain significance. Review status: criteria provided, multiple submitters, no conflicts (2 of 4 stars). 2 submissions from 2 submitters: Uncertain significance (2). Last evaluated 2024-03-22.

Conditions:
Hereditary cancer-predisposing syndrome. Also called: Hereditary Cancer Syndrome; Neoplastic Syndromes, Hereditary; Tumor predisposition; Hereditary neoplastic syndrome. Identifiers: Orphanet 140162, MedGen C0027672, MeSH D009386, MONDO:0015356.

Allele frequency attached by ClinVar (database versions not stated): gnomAD exomes below 0.00001; TOPMed below 0.00001; gnomAD 0.00001.
gnomAD v4.1: 7 of 1,614,006 alleles (0.00043%); highest among the groups gnomAD compares: Non-Finnish European, 0.00059%; no homozygotes.

Submissions (2):

Ambry Genetics
Classification: Uncertain significance for Hereditary cancer-predisposing syndrome. Last evaluated: 2024-03-22. Review status: criteria provided, single submitter. Criteria: Ambry Variant Classification Scheme 2023. Collection method: clinical testing. Allele origin: germline.
Comment: The p.E1243V variant (also known as c.3728A>T), located in coding exon 24 of the RAD50 gene, results from an A to T substitution at nucleotide position 3728. The glutamic acid at codon 1243 is replaced by valine, an amino acid with dissimilar properties. This amino acid position is highly conserved in limited available vertebrate species. In addition, this alteration is predicted to be tolerated by in silico analysis. Since supporting evidence is limited at this time, the clinical significance of this alteration remains unclear.

Labcorp Genetics (formerly Invitae), Labcorp
Classification: Uncertain significance for Hereditary cancer-predisposing syndrome. Last evaluated: 2023-11-08. Review status: criteria provided, single submitter. Criteria: Invitae Variant Classification Sherloc (09022015). Collection method: clinical testing. Allele origin: germline.
Comment: This sequence change replaces glutamic acid, which is acidic and polar, with valine, which is neutral and non-polar, at codon 1243 of the RAD50 protein (p.Glu1243Val). This variant is not present in population databases (gnomAD no frequency). This variant has not been reported in the literature in individuals affected with RAD50-related conditions. ClinVar contains an entry for this variant (Variation ID: 480452). Advanced modeling of protein sequence and biophysical properties (such as structural, functional, and spatial information, amino acid conservation, physicochemical variation, residue mobility, and thermodynamic stability) performed at Invitae indicates that this missense variant is expected to disrupt RAD50 protein function with a positive predictive value of 80%. In summary, the available evidence is currently insufficient to determine the role of this variant in disease. Therefore, it has been classified as a Variant of Uncertain Significance.

NM_005732.4(RAD50):c.3728A>T (p.Glu1243Val)

Genes: TH2LCRR (T helper type 2 locus control region associated RNA; minus strand), RAD50 (RAD50 double strand break repair protein; plus strand), TH2-LCR (Th2 cytokine locus control region; plus strand). Cytogenetic location: 5q31.1.
Variant type: single nucleotide variant.
Coding change: c.3728A>T on transcript NM_005732.4 (MANE Select); coding-DNA position 3728, A replaced by T.
Protein change: p.Glu1243Val; replaces glutamic acid 1243 with valine.
Molecular consequence: missense variant.
Genome position (GRCh38, 1-based): chr5:132,640,781, A>T. VCF-style: chr5-132640781-A-T. GRCh37 (hg19) VCF-style: chr5-131976473-A-T.
Other names: short protein forms E1243V.
Identifiers: ClinVar variation 480452 (VCV000480452.14), dbSNP rs1554101200, ClinGen allele CA360934856.